The following is an entry in ClinVar:

NM_006767.4(LZTR1):c.427A>G (p.Asn143Asp)

Gene: LZTR1 (leucine zipper like post translational regulator 1; plus strand). Cytogenetic location: 22q11.21.
Variant type: single nucleotide variant.
Coding change: c.427A>G on transcript NM_006767.4 (MANE Select); coding-DNA position 427, A replaced by G.
Protein change: p.Asn143Asp; replaces asparagine 143 with aspartic acid.
Molecular consequence: missense variant.
Genome position (GRCh38, 1-based): chr22:20,988,036, A>G. VCF-style: chr22-20988036-A-G. GRCh37 (hg19) VCF-style: chr22-21342325-A-G.
Other names: short protein forms N143D.
Identifiers: ClinVar variation 3612257 (VCV003612257.2).

ClinVar aggregate classification (germline): Uncertain significance (1 of 4 stars; one submission).

gnomAD v4.1: 1 of 1,610,924 alleles (0.000062%); highest among the groups gnomAD compares: South Asian, 0.0011%; no homozygotes.

Submission:

Labcorp Genetics (formerly Invitae), Labcorp
Classification: Uncertain significance. Last evaluated: 2024-10-23. Review status: criteria provided, single submitter. Criteria: Invitae Variant Classification Sherloc (09022015). Collection method: clinical testing. Allele origin: germline.
Comment: This sequence change replaces asparagine, which is neutral and polar, with aspartic acid, which is acidic and polar, at codon 143 of the LZTR1 protein (p.Asn143Asp). This variant is present in population databases (rs761578600, gnomAD 0.003%). This missense change has been observed in individual(s) with Noonan syndrome (PMID: 36609239). Invitae Evidence Modeling of protein sequence and biophysical properties (such as structural, functional, and spatial information, amino acid conservation, physicochemical variation, residue mobility, and thermodynamic stability) indicates that this missense variant is not expected to disrupt LZTR1 protein function with a negative predictive value of 80%. This variant disrupts the p.Asn143 amino acid residue in LZTR1. Other variant(s) that disrupt this residue have been observed in individuals with LZTR1-related conditions (PMID: 30368668), which suggests that this may be a clinically significant amino acid residue. In summary, the available evidence is currently insufficient to determine the role of this variant in disease. Therefore, it has been classified as a Variant of Uncertain Significance.

Literature cited by the submitters: PubMed 36609239; PubMed 30368668.